The following is an entry in ClinVar:

ClinVar aggregate classification (germline): Uncertain significance. Review status: criteria provided, multiple submitters, no conflicts (2 of 4 stars). 2 submissions from 2 submitters: Uncertain significance (2). Last evaluated 2022-04-25.

Conditions:
Inborn genetic diseases. Identifiers: MedGen C0950123, MeSH D030342.

Allele frequency attached by ClinVar (database versions not stated): gnomAD exomes 0.00001 and 0.00002; ExAC 0.00004; gnomAD 0.00004 and 0.00005; TOPMed 0.00005; ESP Exome Variant Server 0.00015; 1000 Genomes Project 0.00020; 1000 Genomes Project 30x 0.00031.
gnomAD v4.1: 20 of 1,612,280 alleles (0.0012%); highest among the groups gnomAD compares: Middle Eastern, 0.033%; no homozygotes.

Submissions (2):

Ambry Genetics
Classification: Uncertain significance for Inborn genetic diseases. Last evaluated: 2022-04-25. Review status: criteria provided, single submitter. Criteria: Ambry Variant Classification Scheme 2023. Collection method: clinical testing. Allele origin: germline.

GeneDx
Classification: Uncertain significance. Last evaluated: 2021-08-27. Review status: criteria provided, single submitter. Criteria: GeneDx Variant Classification Process June 2021. Collection method: clinical testing. Allele origin: germline. Affected: yes.
Comment: In silico analysis supports that this missense variant does not alter protein structure/function; Has not been previously published as pathogenic or benign to our knowledge

NM_005993.5(TBCD):c.3476C>T (p.Ala1159Val)

Gene: TBCD (tubulin folding cofactor D). Cytogenetic location: 17q25.3.
Variant type: single nucleotide variant.
Coding change: c.3476C>T on transcript NM_005993.5 (MANE Select); coding-DNA position 3476, C replaced by T.
Protein change: p.Ala1159Val; replaces alanine 1159 with valine.
Molecular consequence: missense variant.
Genome position (GRCh38, 1-based): chr17:82,939,473, C>T. VCF-style: chr17-82939473-C-T. GRCh37 (hg19) VCF-style: chr17-80897349-C-T.
Other names: short protein forms A1159V.
Identifiers: ClinVar variation 1302398 (VCV001302398.4), dbSNP rs375065191, ClinGen allele CA8863637.